The following is an entry in ClinVar:

NM_001201543.2(FAM161A):c.1534_1538del (p.Asn512fs)

Gene: FAM161A (FAM161 centrosomal protein A; minus strand). Cytogenetic location: 2p15.
Variant type: Deletion.
Coding change: c.1534_1538del on transcript NM_001201543.2 (MANE Select); coding-DNA positions 1534 to 1538, 5 bases deleted (AACCC; older notation c.1534_1538delAACCC).
Protein change: p.Asn512fs; shifts the reading frame from asparagine 512.
Molecular consequence: frameshift variant. On other transcripts: non-coding transcript variant (1).
Genome position (GRCh38, 1-based): chr2:61,839,466-61,839,470, GGGTT deleted on the plus strand (AACCC on the coding strand, the reverse complement: FAM161A is on the minus strand); deleting any 5 consecutive bases within chr2:61,839,466-61,839,471 gives the same sequence; the c. name uses the placement nearest the transcript's 3' end. VCF-style (leftmost placement, unchanged base first): chr2-61839465-AGGGTT-A. GRCh37 (hg19) VCF-style: chr2-62066600-AGGGTT-A.
Other names: c.1534_1538del, p.Asn512fs (NM_032180.3); short protein forms N512fs.
Identifiers: ClinVar variation 1069767 (VCV001069767.7), dbSNP rs2105080409, ClinGen allele CA2499216171.

ClinVar aggregate classification (germline): Pathogenic (1 of 4 stars; one submission).

Submission:

Labcorp Genetics (formerly Invitae), Labcorp
Classification: Pathogenic. Last evaluated: 2020-04-06. Review status: criteria provided, single submitter. Criteria: Invitae Variant Classification Sherloc (09022015). Collection method: clinical testing. Allele origin: germline.
Comment: This sequence change creates a premature translational stop signal (p.Asn512Serfs*19) in the FAM161A gene. It is expected to result in an absent or disrupted protein product. This variant is not present in population databases (ExAC no frequency). This variant has not been reported in the literature in individuals with FAM161A-related conditions. Loss-of-function variants in FAM161A are known to be pathogenic (PMID: 20705278, 20705279, 24651477). For these reasons, this variant has been classified as Pathogenic.

Literature cited by the submitters: PubMed 20705278; PubMed 20705279; PubMed 24651477.